The following is an entry in ClinVar:

ClinVar aggregate classification (germline): Uncertain significance. Review status: criteria provided, multiple submitters, no conflicts (2 of 4 stars). 9 submissions from 9 submitters: Uncertain significance (9). Last evaluated 2024-12-04.

Conditions:
Kufor-Rakeb syndrome (KRS). Also called: PARKINSON DISEASE 9, AUTOSOMAL RECESSIVE, JUVENILE-ONSET. Identifiers: Orphanet 306674, Orphanet 314632, MedGen C1847640, MONDO:0011706, OMIM 606693.
Autosomal recessive spastic paraplegia type 78. Identifiers: Orphanet 513436, MedGen C5567893, MONDO:0014975, OMIM 617225.
ATP13A2-related disorder. Also called: ATP13A2-related condition; ATP13A2-related disorders.
Inborn genetic diseases. Identifiers: MedGen C0950123, MeSH D030342.

Allele frequency attached by ClinVar (database versions not stated): ESP Exome Variant Server 0.00008; ExAC 0.00009; TOPMed 0.00010; gnomAD 0.00012; gnomAD exomes 0.00012.
gnomAD v4.1: 455 of 1,612,670 alleles (0.028%); highest among the groups gnomAD compares: East Asian, 0.071%; no homozygotes.

Submissions (9):

PreventionGenetics, part of Exact Sciences
Classification: Uncertain significance for ATP13A2-related condition. Last evaluated: 2024-12-04. Review status: criteria provided, single submitter. Criteria: ACMG Guidelines, 2015. Collection method: clinical testing. Allele origin: germline.
Comment: The ATP13A2 c.1171G>A variant is predicted to result in the amino acid substitution p.Val391Ile. To our knowledge, this variant has not been reported in the literature. This variant is reported in 0.045% of alleles in individuals of East Asian descent in gnomAD. At this time, the clinical significance of this variant is uncertain due to the absence of conclusive functional and genetic evidence.

Labcorp Genetics (formerly Invitae), Labcorp
Classification: Uncertain significance for Kufor-Rakeb syndrome; Autosomal recessive spastic paraplegia type 78. Last evaluated: 2024-10-08. Review status: criteria provided, single submitter. Criteria: Invitae Variant Classification Sherloc (09022015). Collection method: clinical testing. Allele origin: germline.
Comment: This sequence change replaces valine, which is neutral and non-polar, with isoleucine, which is neutral and non-polar, at codon 391 of the ATP13A2 protein (p.Val391Ile). This variant is present in population databases (rs113105667, gnomAD 0.05%). This variant has not been reported in the literature in individuals affected with ATP13A2-related conditions. ClinVar contains an entry for this variant (Variation ID: 500604). Invitae Evidence Modeling of protein sequence and biophysical properties (such as structural, functional, and spatial information, amino acid conservation, physicochemical variation, residue mobility, and thermodynamic stability) indicates that this missense variant is not expected to disrupt ATP13A2 protein function with a negative predictive value of 80%. In summary, the available evidence is currently insufficient to determine the role of this variant in disease. Therefore, it has been classified as a Variant of Uncertain Significance.

Blueprint Genetics
Classification: Uncertain significance. Last evaluated: 2024-06-10. Review status: criteria provided, single submitter. Criteria: ACMG Guidelines, 2015. Collection method: clinical testing. Allele origin: germline.

GeneDx
Classification: Uncertain significance. Last evaluated: 2024-03-31. Review status: criteria provided, single submitter. Criteria: GeneDx Variant Classification Process June 2021. Collection method: clinical testing. Allele origin: germline. Affected: yes.
Comment: In silico analysis supports that this missense variant does not alter protein structure/function; Has not been previously published as pathogenic or benign to our knowledge

Mayo Clinic Laboratories, Mayo Clinic
Classification: Uncertain significance. Last evaluated: 2023-11-08. Review status: criteria provided, single submitter. Criteria: ACMG Guidelines, 2015. Collection method: clinical testing. Allele origin: germline. Observed: 2 variant alleles.
Comment: PM2_moderate

Ambry Genetics
Classification: Uncertain significance for Inborn genetic diseases. Last evaluated: 2018-12-29. Review status: criteria provided, single submitter. Criteria: Ambry Variant Classification Scheme 2023. Collection method: clinical testing. Allele origin: germline.
Comment: The p.V391I variant (also known as c.1171G>A), located in coding exon 12 of the ATP13A2 gene, results from a G to A substitution at nucleotide position 1171. The valine at codon 391 is replaced by isoleucine, an amino acid with highly similar properties. This amino acid position is well conserved in available vertebrate species. In addition, the in silico prediction for this alteration is inconclusive. Since supporting evidence is limited at this time, the clinical significance of this alteration remains unclear.

Fulgent Genetics
Classification: Uncertain significance for Kufor-Rakeb syndrome; Autosomal recessive spastic paraplegia type 78. Last evaluated: 2018-10-31. Review status: criteria provided, single submitter. Criteria: ACMG Guidelines, 2015. Collection method: clinical testing. Allele origin: unknown.

Eurofins Ntd Llc (ga)
Classification: Uncertain significance. Last evaluated: 2017-03-29. Review status: criteria provided, single submitter. Criteria: EGL Classification Definitions 2015. Collection method: clinical testing. Allele origin: germline. Observed: 1 variant allele, 1 heterozygote.

Breakthrough Genomics
Classification: Uncertain significance. Review status: criteria provided, single submitter. Criteria: ACMG Guidelines, 2015. Collection method: not provided. Allele origin: germline. Inheritance: Autosomal recessive inheritance. Affected: yes.

NM_022089.4(ATP13A2):c.1171G>A (p.Val391Ile)

Gene: ATP13A2 (ATPase cation transporting 13A2; minus strand). Cytogenetic location: 1p36.13.
Variant type: single nucleotide variant.
Coding change: c.1171G>A on transcript NM_022089.4 (MANE Select); coding-DNA position 1171, G replaced by A.
Protein change: p.Val391Ile; replaces valine 391 with isoleucine.
Molecular consequence: missense variant.
Genome position (GRCh38, 1-based): chr1:16,997,044, C>T on the plus strand (G>A on the coding strand, the complement: ATP13A2 is on the minus strand). VCF-style: chr1-16997044-C-T. GRCh37 (hg19) VCF-style: chr1-17323539-C-T.
Other names: p.Val391Ile; c.1171G>A (NM_022089.3); c.1156G>A, p.Val386Ile (NM_001141973.3, NM_001141974.3); short protein forms V391I, V386I.
Identifiers: ClinVar variation 500604 (VCV000500604.21), dbSNP rs113105667, ClinGen allele CA637345.